The following is an entry in ClinVar:

ClinVar aggregate classification (germline): Uncertain significance (1 of 4 stars; one submission).

Submission:

Labcorp Genetics (formerly Invitae), Labcorp
Classification: Uncertain significance. Last evaluated: 2022-05-12. Review status: criteria provided, single submitter. Criteria: Invitae Variant Classification Sherloc (09022015). Collection method: clinical testing. Allele origin: germline.
Comment: In summary, the available evidence is currently insufficient to determine the role of this variant in disease. Therefore, it has been classified as a Variant of Uncertain Significance. Algorithms developed to predict the effect of missense changes on protein structure and function are either unavailable or do not agree on the potential impact of this missense change (SIFT: "Deleterious"; PolyPhen-2: "Probably Damaging"; Align-GVGD: "Class C0"). This variant has not been reported in the literature in individuals affected with FSCN2-related conditions. This variant is not present in population databases (gnomAD no frequency). This sequence change replaces aspartic acid, which is acidic and polar, with histidine, which is basic and polar, at codon 506 of the FSCN2 protein (p.Asp506His).

NM_012418.4(FSCN2):c.1444G>C (p.Asp482His)

Gene: FSCN2 (fascin actin-bundling protein 2, retinal; plus strand). Cytogenetic location: 17q25.3.
Variant type: single nucleotide variant.
Coding change: c.1444G>C on transcript NM_012418.4 (MANE Select); coding-DNA position 1444, G replaced by C.
Protein change: p.Asp482His; replaces aspartic acid 482 with histidine.
Molecular consequence: missense variant.
Genome position (GRCh38, 1-based): chr17:81,537,045, G>C. VCF-style: chr17-81537045-G-C. GRCh37 (hg19) VCF-style: chr17-79504071-G-C.
Other names: c.1516G>C, p.Asp506His (NM_001077182.3); short protein forms D482H, D506H.
Identifiers: ClinVar variation 1993766 (VCV001993766.4), dbSNP rs2032911270, ClinGen allele CA401479106.